The following is an entry in ClinVar:

NM_001458.5(FLNC):c.1382G>A (p.Arg461His)

Gene: FLNC (filamin C; plus strand). Cytogenetic location: 7q32.1.
Variant type: single nucleotide variant.
Coding change: c.1382G>A on transcript NM_001458.5 (MANE Select); coding-DNA position 1382, G replaced by A.
Protein change: p.Arg461His; replaces arginine 461 with histidine.
Molecular consequence: missense variant.
Genome position (GRCh38, 1-based): chr7:128,838,774, G>A. VCF-style: chr7-128838774-G-A. GRCh37 (hg19) VCF-style: chr7-128478828-G-A.
Other names: c.1382G>A (NM_001458.4); c.1382G>A, p.Arg461His (NM_001127487.2); short protein forms R461H.
Identifiers: ClinVar variation 1007884 (VCV001007884.11), dbSNP rs377587489, ClinGen allele CA166215255.

ClinVar aggregate classification (germline): Uncertain significance. Review status: criteria provided, multiple submitters, no conflicts (2 of 4 stars). 3 submissions from 3 submitters: Uncertain significance (3). Last evaluated 2025-07-29.

Conditions:
Cardiovascular phenotype. Identifiers: MedGen CN230736.
Myofibrillar myopathy 5. Also called: FILAMINOPATHY, AUTOSOMAL DOMINANT; Filaminopathy (type). Identifiers: Orphanet 171445, MedGen C1836050, MONDO:0012289, OMIM 609524.
Hypertrophic cardiomyopathy 26. Also called: Cardiomyopathy, familial hypertrophic, 26. Identifiers: Orphanet 75249, MedGen C4310749, MONDO:0014883, OMIM 617047.
Distal myopathy with posterior leg and anterior hand involvement. Also called: WILLIAMS DISTAL MYOPATHY. Identifiers: Orphanet 63273, MedGen C3279722, MONDO:0013550, OMIM 614065.

Allele frequency attached by ClinVar (database versions not stated): TOPMed 0.00002; ESP Exome Variant Server 0.00008.
gnomAD v4.1: 24 of 1,612,818 alleles (0.0015%); highest among the groups gnomAD compares: African/African-American, 0.004%; no homozygotes.

Submissions (3):

Labcorp Genetics (formerly Invitae), Labcorp
Classification: Uncertain significance for Distal myopathy with posterior leg and anterior hand involvement; Myofibrillar myopathy 5; Hypertrophic cardiomyopathy 26. Last evaluated: 2025-07-29. Review status: criteria provided, single submitter. Criteria: Invitae Variant Classification Sherloc (09022015). Collection method: clinical testing. Allele origin: germline.
Comment: This sequence change replaces arginine, which is basic and polar, with histidine, which is basic and polar, at codon 461 of the FLNC protein (p.Arg461His). The frequency data for this variant in the population databases is considered unreliable, as metrics indicate poor data quality at this position in the gnomAD database. This variant has not been reported in the literature in individuals affected with FLNC-related conditions. ClinVar contains an entry for this variant (Variation ID: 1007884). Invitae Evidence Modeling of protein sequence and biophysical properties (such as structural, functional, and spatial information, amino acid conservation, physicochemical variation, residue mobility, and thermodynamic stability) has been performed for this missense variant. However, the output from this modeling did not meet the statistical confidence thresholds required to predict the impact of this variant on FLNC protein function. In summary, the available evidence is currently insufficient to determine the role of this variant in disease. Therefore, it has been classified as a Variant of Uncertain Significance.

Ambry Genetics
Classification: Uncertain significance for Cardiovascular phenotype. Last evaluated: 2024-07-22. Review status: criteria provided, single submitter. Criteria: Ambry Variant Classification Scheme 2023. Collection method: clinical testing. Allele origin: germline.
Comment: The p.R461H variant (also known as c.1382G>A), located in coding exon 8 of the FLNC gene, results from a G to A substitution at nucleotide position 1382. The arginine at codon 461 is replaced by histidine, an amino acid with highly similar properties. This amino acid position is well conserved in available vertebrate species. In addition, this alteration is predicted to be tolerated by in silico analysis. Based on the available evidence, the clinical significance of this variant remains unclear.

Revvity Omics, Revvity
Classification: Uncertain significance. Last evaluated: 2020-05-20. Review status: criteria provided, single submitter. Criteria: ACMG Guidelines, 2015. Collection method: clinical testing. Allele origin: germline.